The following is an entry in ClinVar:

ClinVar aggregate classification (germline): Pathogenic (1 of 4 stars; one submission).

Conditions:
Metachromatic leukodystrophy (MLD). Also called: METACHROMATIC LEUKOENCEPHALOPATHY; Arylsulfatase A Deficiency; SULFATIDE LIPIDOSIS; ARSA DEFICIENCY; CEREBROSIDE SULFATASE DEFICIENCY; Cerebral sclerosis diffuse metachromatic form. Identifiers: Orphanet 512, MedGen C0023522, MONDO:0018868, OMIM 250100.

Submission:

Labcorp Genetics (formerly Invitae), Labcorp
Classification: Pathogenic for Metachromatic leukodystrophy. Last evaluated: 2019-05-02. Review status: criteria provided, single submitter. Criteria: Invitae Variant Classification Sherloc (09022015). Collection method: clinical testing. Allele origin: germline.
Comment: This variant has not been reported in the literature in individuals with ARSA-related conditions. This variant is not present in population databases (ExAC no frequency). This sequence change creates a premature translational stop signal (p.Tyr151Leufs*25) in the ARSA gene. It is expected to result in an absent or disrupted protein product. Loss-of-function variants in ARSA are known to be pathogenic (PMID: 8962139, 10477432). For these reasons, this variant has been classified as Pathogenic.

Literature cited by the submitters: PubMed 8962139; PubMed 10477432.

NM_000487.6(ARSA):c.451dup (p.Tyr151fs)

Gene: ARSA (arylsulfatase A; minus strand). Cytogenetic location: 22q13.33.
Variant type: Duplication.
Coding change: c.451dup on transcript NM_000487.6 (MANE Select); coding-DNA position 451, one base duplicated (T; older notation c.451dupT).
Protein change: p.Tyr151fs; shifts the reading frame from tyrosine 151.
Molecular consequence: frameshift variant.
Genome position (GRCh38, 1-based): chr22:50,627,180, A duplicated on the plus strand (T on the coding strand, the reverse complement: ARSA is on the minus strand). VCF-style (leftmost placement, unchanged base first): chr22-50627179-T-TA. GRCh37 (hg19) VCF-style: chr22-51065607-T-TA.
Other names: c.451dup, p.Tyr151fs (NM_001085425.3, NM_001085426.3, NM_001085427.3); c.193dup, p.Tyr65fs (NM_001085428.3, NM_001362782.2); short protein forms Y65fs, Y151fs.
Identifiers: ClinVar variation 952417 (VCV000952417.7), dbSNP rs2082687168, ClinGen allele CA1139667181.